The following is an entry in ClinVar:

NM_014317.5(PDSS1):c.859G>A (p.Val287Met)

Gene: PDSS1 (decaprenyl diphosphate synthase subunit 1; plus strand). Cytogenetic location: 10p12.1.
Variant type: single nucleotide variant.
Coding change: c.859G>A on transcript NM_014317.5 (MANE Select); coding-DNA position 859, G replaced by A.
Protein change: p.Val287Met; replaces valine 287 with methionine.
Molecular consequence: missense variant. On other transcripts: intron variant (1).
Genome position (GRCh38, 1-based): chr10:26,735,267, G>A. VCF-style: chr10-26735267-G-A. GRCh37 (hg19) VCF-style: chr10-27024196-G-A.
Other names: c.349G>A, p.Val117Met (NM_001321979.2); c.836-7230G>A (NM_001321978.2); short protein forms V287M, V117M.
Identifiers: ClinVar variation 879597 (VCV000879597.9), dbSNP rs768568415, ClinGen allele CA5447047.

ClinVar aggregate classification (germline): Uncertain significance. Review status: criteria provided, multiple submitters, no conflicts (2 of 4 stars). 3 submissions from 3 submitters: Uncertain significance (3). Last evaluated 2024-10-14.

Conditions:
Deafness-encephaloneuropathy-obesity-valvulopathy syndrome. Identifiers: Orphanet 254898, MedGen C3553354, MONDO:0013837, OMIM 614651.

Allele frequency attached by ClinVar (database versions not stated): gnomAD exomes 0.00002; ExAC 0.00003; TOPMed 0.00004.
gnomAD v4.1: 30 of 1,613,600 alleles (0.0019%); highest among the groups gnomAD compares: South Asian, 0.0033%; no homozygotes.

Submissions (3):

Labcorp Genetics (formerly Invitae), Labcorp
Classification: Uncertain significance. Last evaluated: 2024-10-14. Review status: criteria provided, single submitter. Criteria: Invitae Variant Classification Sherloc (09022015). Collection method: clinical testing. Allele origin: germline.
Comment: This sequence change replaces valine, which is neutral and non-polar, with methionine, which is neutral and non-polar, at codon 287 of the PDSS1 protein (p.Val287Met). This variant is present in population databases (rs768568415, gnomAD 0.004%). This variant has not been reported in the literature in individuals affected with PDSS1-related conditions. ClinVar contains an entry for this variant (Variation ID: 879597). Invitae Evidence Modeling of protein sequence and biophysical properties (such as structural, functional, and spatial information, amino acid conservation, physicochemical variation, residue mobility, and thermodynamic stability) indicates that this missense variant is not expected to disrupt PDSS1 protein function with a negative predictive value of 80%. In summary, the available evidence is currently insufficient to determine the role of this variant in disease. Therefore, it has been classified as a Variant of Uncertain Significance.

Fulgent Genetics
Classification: Uncertain significance for Deafness-encephaloneuropathy-obesity-valvulopathy syndrome. Last evaluated: 2022-05-23. Review status: criteria provided, single submitter. Criteria: ACMG Guidelines, 2015. Collection method: clinical testing. Allele origin: unknown.

Illumina Laboratory Services, Illumina
Classification: Uncertain significance for Deafness-encephaloneuropathy-obesity-valvulopathy syndrome. Last evaluated: 2018-01-13. Review status: criteria provided, single submitter. Criteria: ICSL Variant Classification Criteria 13 December 2019. Collection method: clinical testing. Allele origin: germline.